The following is an entry in ClinVar:

NM_000455.5(STK11):c.911G>C (p.Arg304Pro)

Gene: STK11 (serine/threonine kinase 11; plus strand). Cytogenetic location: 19p13.3.
Variant type: single nucleotide variant.
Coding change: c.911G>C on transcript NM_000455.5 (MANE Select); coding-DNA position 911, G replaced by C.
Protein change: p.Arg304Pro; replaces arginine 304 with proline.
Molecular consequence: missense variant.
Genome position (GRCh38, 1-based): chr19:1,221,997, G>C. VCF-style: chr19-1221997-G-C. GRCh37 (hg19) VCF-style: chr19-1221996-G-C.
Other names: short protein forms R304P.
Identifiers: ClinVar variation 428783 (VCV000428783.12), dbSNP rs376280361, ClinGen allele CA402951309.

ClinVar aggregate classification (germline): Pathogenic/Likely pathogenic. Review status: criteria provided, multiple submitters, no conflicts (2 of 4 stars). 5 submissions from 5 submitters: Pathogenic (3); Likely pathogenic (1). 1 of the submissions does not count toward it. Last evaluated 2024-02-12.

Conditions:
STK11-related disorder. Also called: STK11-related condition.
Hereditary cancer-predisposing syndrome. Also called: Hereditary neoplastic syndrome; Tumor predisposition; Neoplastic Syndromes, Hereditary; Hereditary Cancer Syndrome. Identifiers: Orphanet 140162, MedGen C0027672, MeSH D009386, MONDO:0015356.
Peutz-Jeghers syndrome (PJS). Also called: Peutz-Jeghers polyposis; Periorificial lentiginosis syndrome; POLYPOSIS, HAMARTOMATOUS INTESTINAL; POLYPS-AND-SPOTS SYNDROME. Identifiers: Orphanet 2869, MedGen C0031269, MeSH D010580, MONDO:0008280, OMIM 175200.

Submissions (5):

Myriad Genetics, Inc.
Classification: Likely pathogenic for Peutz-Jeghers syndrome. Last evaluated: 2024-02-12. Review status: criteria provided, single submitter. Criteria: Myriad Autosomal Dominant, Autosomal Recessive and X-Linked Classification Criteria (2023). Collection method: clinical testing. Allele origin: unknown.
Comment: This variant is considered likely pathogenic. Functional studies indicate this variant impacts protein function [PMID: 10441497, 12552571]. This variant has been reported in multiple individuals with clinical features of gene-specific disease [PMID: 16287113].

Labcorp Genetics (formerly Invitae), Labcorp
Classification: Pathogenic for Peutz-Jeghers syndrome. Last evaluated: 2023-08-28. Review status: criteria provided, single submitter. Criteria: Invitae Variant Classification Sherloc (09022015). Collection method: clinical testing. Allele origin: germline.
Comment: ClinVar contains an entry for this variant (Variation ID: 428783). Advanced modeling of protein sequence and biophysical properties (such as structural, functional, and spatial information, amino acid conservation, physicochemical variation, residue mobility, and thermodynamic stability) performed at Invitae indicates that this missense variant is expected to disrupt STK11 protein function. This variant disrupts the p.Arg304 amino acid residue in STK11. Other variant(s) that disrupt this residue have been determined to be pathogenic (PMID: 9809980, 12865922, 15121768, 17404884). This suggests that this residue is clinically significant, and that variants that disrupt this residue are likely to be disease-causing. For these reasons, this variant has been classified as Pathogenic. This sequence change replaces arginine, which is basic and polar, with proline, which is neutral and non-polar, at codon 304 of the STK11 protein (p.Arg304Pro). This variant is not present in population databases (gnomAD no frequency). This missense change has been observed in individuals with clinical features of Peutz-Jeghers syndrome (PMID: 16287113, 30092773).

GeneDx
Classification: Pathogenic. Last evaluated: 2023-01-24. Review status: criteria provided, single submitter. Criteria: GeneDx Variant Classification Process June 2021. Collection method: clinical testing. Allele origin: germline. Affected: yes.
Comment: In silico analysis supports that this missense variant has a deleterious effect on protein structure/function; Not observed at significant frequency in large population cohorts (gnomAD); This variant is associated with the following publications: (PMID: 30092773, 15863673, 35189935, 36033506, 16287113)

Ambry Genetics
Classification: Pathogenic for Hereditary cancer-predisposing syndrome. Last evaluated: 2020-05-18. Review status: criteria provided, single submitter. Criteria: Ambry Variant Classification Scheme 2023. Collection method: clinical testing. Allele origin: germline.
Comment: The p.R304P pathogenic mutation (also known as c.911G>C), located in coding exon 7 of the STK11 gene, results from a G to C substitution at nucleotide position 911. The arginine at codon 304 is replaced by proline, an amino acid with dissimilar properties. This pathogenic variant has been confirmed to be de novo in patients meeting clinical criteria for PJS as well as in several other families meeting clinical criteria for PJS where the variant segregated with disease (Aretz S et al. Hum. Mutat. 2005; 26:513-9: Jiang YL et al. BMC Med. Genet. 2018 08;19:141; Ambry internal data). In addition, a well characterized mutation affecting the same codon, STK11 p.R304W, has also been reported in patients with PJS (Boudeau J et al. Hum. Mutat. 2003 Feb; 21(2):172). Based on internal structural analysis, this variant is anticipated to result in a significant decrease in structural stability (Ambry internal data; Resta N et al. Cancer Res. 1998 Nov; 58(21):4799-801). Based on the supporting evidence, this alteration is interpreted as a disease-causing mutation.

PreventionGenetics, part of Exact Sciences
Classification: Likely pathogenic for STK11-related condition. Last evaluated: 2024-05-24. Review status: no assertion criteria provided. Collection method: clinical testing. Allele origin: germline. Not counted in ClinVar's aggregate classification.
Comment: The STK11 c.911G>C variant is predicted to result in the amino acid substitution p.Arg304Pro. This variant has been reported in individuals with Peutz-Jeghers syndrome (Aretz et al 2005. PubMed ID: 16287113; Jiang et al 2018. PubMed ID: 30092773). This variant has not been reported in a large population database, indicating this variant is rare. This variant is interpreted as pathogenic/likely pathogenic by multiple submitters in Clinvar. Another well characterized variant that disrupts this residue has been reported in individuals with Peutz-Jeghers syndrome (p.Arg304Trp) suggesting that variants that disrupt this residue are likely to be disease causing (Boudeau et al 2003. PubMed ID: 12552571; Resta et al 1998. PubMed ID: 9809980). This variant is interpreted as likely pathogenic.

Literature cited by the submitters: PubMed 10441497 (cited by Myriad Genetics, Inc.); PubMed 12552571 (cited by Myriad Genetics, Inc. and Ambry Genetics); PubMed 16287113 (cited by 3 submitters); PubMed 9809980 (cited by Labcorp Genetics (formerly Invitae), Labcorp and Ambry Genetics); PubMed 12865922 (cited by Labcorp Genetics (formerly Invitae), Labcorp); PubMed 15121768 (cited by Labcorp Genetics (formerly Invitae), Labcorp); PubMed 17404884 (cited by Labcorp Genetics (formerly Invitae), Labcorp); PubMed 30092773 (cited by Labcorp Genetics (formerly Invitae), Labcorp and Ambry Genetics).